The following is an entry in ClinVar:

ClinVar aggregate classification (germline): Uncertain significance (1 of 4 stars; one submission).

Conditions:
Epileptic encephalopathy. Identifiers: MedGen C0543888, HP:0200134.

Submission:

Labcorp Genetics (formerly Invitae), Labcorp
Classification: Uncertain significance for Epileptic encephalopathy. Last evaluated: 2022-11-15. Review status: criteria provided, single submitter. Criteria: Invitae Variant Classification Sherloc (09022015). Collection method: clinical testing. Allele origin: germline.
Comment: In summary, the available evidence is currently insufficient to determine the role of this variant in disease. Therefore, it has been classified as a Variant of Uncertain Significance. Advanced modeling of protein sequence and biophysical properties (such as structural, functional, and spatial information, amino acid conservation, physicochemical variation, residue mobility, and thermodynamic stability) performed at Invitae indicates that this missense variant is not expected to disrupt GABBR2 protein function. This variant has not been reported in the literature in individuals affected with GABBR2-related conditions. This variant is not present in population databases (gnomAD no frequency). This sequence change replaces lysine, which is basic and polar, with arginine, which is basic and polar, at codon 593 of the GABBR2 protein (p.Lys593Arg).

NM_005458.8(GABBR2):c.1778A>G (p.Lys593Arg)

Gene: GABBR2 (gamma-aminobutyric acid type B receptor subunit 2; minus strand). Cytogenetic location: 9q22.33.
Variant type: single nucleotide variant.
Coding change: c.1778A>G on transcript NM_005458.8 (MANE Select); coding-DNA position 1778, A replaced by G.
Protein change: p.Lys593Arg; replaces lysine 593 with arginine.
Molecular consequence: missense variant.
Genome position (GRCh38, 1-based): chr9:98,362,830, T>C on the plus strand (A>G on the coding strand, the complement: GABBR2 is on the minus strand). VCF-style: chr9-98362830-T-C. GRCh37 (hg19) VCF-style: chr9-101125112-T-C.
Other names: short protein forms K593R.
Identifiers: ClinVar variation 2837427 (VCV002837427.3), dbSNP rs2491359489, ClinGen allele CA374212576.